The following is an entry in ClinVar:

NM_016648.4(LARP7):c.690_691insC (p.Glu231fs)

Genes: MIR302CHG (miR-302/367 cluster host gene; minus strand), LARP7 (La ribonucleoprotein 7, transcriptional regulator; plus strand). Cytogenetic location: 4q25.
Variant type: Insertion.
Coding change: c.690_691insC on transcript NM_016648.4 (MANE Select); coding-DNA positions 690 to 691, C inserted.
Protein change: p.Glu231fs; shifts the reading frame from glutamic acid 231.
Molecular consequence: frameshift variant.
Genome position: GRCh38 VCF-style: chr4-112647242-G-GC. GRCh37 (hg19) VCF-style: chr4-113568398-G-GC.
Other names: c.690_691insC, p.Glu231fs (NM_001267039.4, NM_001370974.1, NM_001370975.1 and 2 more transcripts); c.687_688insC, p.Glu230fs (NM_001370976.1, NM_001370977.1, NM_001370979.1 and 1 more transcripts); c.453_454insC, p.Glu152fs (NM_001370981.1, NM_001370982.1); short protein forms E152fs, E230fs, E231fs.
Identifiers: ClinVar variation 4813749 (VCV004813749.1).

ClinVar aggregate classification (germline): Likely pathogenic (1 of 4 stars; one submission).

Conditions:
Microcephalic primordial dwarfism, Alazami type. Also called: FACIAL DYSMORPHISM, INTELLECTUAL DISABILITY, AND PRIMORDIAL DWARFISM; Alazami syndrome. Identifiers: Orphanet 319671, MedGen C3554439, MONDO:0014031, OMIM 615071.

Submission:

Variantyx, Inc.
Classification: Likely pathogenic for Microcephalic primordial dwarfism, Alazami type. Last evaluated: 2025-11-05. Review status: criteria provided, single submitter. Criteria: Variantyx Assertion Criteria 2022. Collection method: clinical testing. Allele origin: germline. Inheritance: Autosomal recessive inheritance. Affected: yes.
Comment: This is a frameshift variant in the LARP7 gene (OMIM: 612026). Pathogenic variants in this gene have been associated with autosomal recessive Alazami syndrome. This variant introduces a premature termination codon in exon 7 out of 13 and is expected to result in loss of function, which is a known disease mechanism for LARP7 in this disorder (PMID: 22865833) (PVS1). This variant has a 0.0071% maximum allele frequency in non-founder control populations (PM2) and has not been reported in individuals with LARP7-related disorders in the databases available for review. Based on the current evidence, this variant is classified as likely pathogenic for autosomal recessive Alazami syndrome.

Literature cited by the submitters: PubMed 22865833.